The following is an entry in ClinVar:

NM_001042492.3(NF1):c.3533_3538del (p.Thr1178_Phe1179del)

Gene: NF1 (neurofibromin 1; plus strand). Cytogenetic location: 17q11.2.
Variant type: Deletion.
Coding change: c.3533_3538del on transcript NM_001042492.3 (MANE Select); coding-DNA positions 3533 to 3538, 6 bases deleted (CATTTA; older notation c.3533_3538delCATTTA).
Protein change: p.Thr1178_Phe1179del.
Molecular consequence: inframe deletion. On other transcripts: inframe indel (1).
Genome position (GRCh38, 1-based): chr17:31,233,038-31,233,043, CATTTA deleted; deleting any 6 consecutive bases within chr17:31,233,036-31,233,043 gives the same sequence; the c. name uses the placement nearest the transcript's 3' end. VCF-style (leftmost placement, unchanged base first): chr17-31233035-CTACATT-C. GRCh37 (hg19) VCF-style: chr17-29560053-CTACATT-C.
Other names: c.3533_3538delCATTTA, p.Thr1178_Phe1179del (NM_000267.4).
Identifiers: ClinVar variation 2839109 (VCV002839109.3), dbSNP rs2508237676, ClinGen allele CA2739267378.
Genomic context (GRCh38, chr17:31,233,035, plus strand): 5'-AAATTTGCATCTGTTTGTCCACATTAGGCTTAGGTTACCACAAGGATCTCCAGACAAGAG[CTACATT>C]TATGGAAGTTCTGACAAAAATCCTTCAACAAGGCACAGAATTTGACACACTTGCAGAAAC-3'

ClinVar aggregate classification (germline): Uncertain significance (1 of 4 stars; one submission).

Conditions:
Neurofibromatosis, type 1 (NF1). Also called: Neurofibromatosis, type I; VON RECKLINGHAUSEN DISEASE; NEUROFIBROMATOSIS, TYPE I, SOMATIC; Peripheral type neurofibromatosis. Identifiers: Orphanet 636, MedGen C0027831, MONDO:0018975, OMIM 162200. Disease mechanism: loss of function.

Submission:

Labcorp Genetics (formerly Invitae), Labcorp
Classification: Uncertain significance for Neurofibromatosis, type 1. Last evaluated: 2023-02-20. Review status: criteria provided, single submitter. Criteria: Invitae Variant Classification Sherloc (09022015). Collection method: clinical testing. Allele origin: germline.
Comment: In summary, the available evidence is currently insufficient to determine the role of this variant in disease. Therefore, it has been classified as a Variant of Uncertain Significance. Experimental studies and prediction algorithms are not available or were not evaluated, and the functional significance of this variant is currently unknown. This variant has not been reported in the literature in individuals affected with NF1-related conditions. This variant is not present in population databases (gnomAD no frequency). This variant, c.3533_3538del, results in the deletion of 2 amino acid(s) of the NF1 protein (p.Thr1178_Phe1179del), but otherwise preserves the integrity of the reading frame.